The following is an entry in ClinVar:

ClinVar aggregate classification (germline): Uncertain significance. Review status: criteria provided, multiple submitters, no conflicts (2 of 4 stars). 2 submissions from 2 submitters: Uncertain significance (2). Last evaluated 2025-11-05.

Conditions:
Inborn genetic diseases. Identifiers: MedGen C0950123, MeSH D030342.

Allele frequency attached by ClinVar (database versions not stated): gnomAD exomes 0.00001; TOPMed 0.00003; ExAC 0.00002; gnomAD 0.00001.
gnomAD v4.1: 7 of 1,614,018 alleles (0.00043%); highest among the groups gnomAD compares: Admixed American, 0.01%; no homozygotes.

Submissions (2):

Ambry Genetics
Classification: Uncertain significance for Inborn genetic diseases. Last evaluated: 2025-11-05. Review status: criteria provided, single submitter. Criteria: Ambry Variant Classification Scheme 2023. Collection method: clinical testing. Allele origin: germline.

Labcorp Genetics (formerly Invitae), Labcorp
Classification: Uncertain significance. Last evaluated: 2022-08-23. Review status: criteria provided, single submitter. Criteria: Invitae Variant Classification Sherloc (09022015). Collection method: clinical testing. Allele origin: germline.
Comment: This sequence change replaces cysteine, which is neutral and slightly polar, with arginine, which is basic and polar, at codon 555 of the UBR1 protein (p.Cys555Arg). This variant is present in population databases (rs772411595, gnomAD 0.01%). This variant has not been reported in the literature in individuals affected with UBR1-related conditions. Algorithms developed to predict the effect of missense changes on protein structure and function are either unavailable or do not agree on the potential impact of this missense change (SIFT: "Deleterious"; PolyPhen-2: "Benign"; Align-GVGD: "Class C0"). In summary, the available evidence is currently insufficient to determine the role of this variant in disease. Therefore, it has been classified as a Variant of Uncertain Significance.

NM_174916.3(UBR1):c.1663T>C (p.Cys555Arg)

Gene: UBR1 (ubiquitin protein ligase E3 component n-recognin 1; minus strand). Cytogenetic location: 15q15.2.
Variant type: single nucleotide variant.
Coding change: c.1663T>C on transcript NM_174916.3 (MANE Select); coding-DNA position 1663, T replaced by C.
Protein change: p.Cys555Arg; replaces cysteine 555 with arginine.
Molecular consequence: missense variant.
Genome position (GRCh38, 1-based): chr15:43,047,166, A>G on the plus strand (T>C on the coding strand, the complement: UBR1 is on the minus strand). VCF-style: chr15-43047166-A-G. GRCh37 (hg19) VCF-style: chr15-43339364-A-G.
Other names: c.1663T>C (NM_174916.2); short protein forms C555R.
Identifiers: ClinVar variation 2062963 (VCV002062963.2), dbSNP rs772411595, ClinGen allele CA7518688.